The following is an entry in ClinVar:

ClinVar aggregate classification (germline): Uncertain significance. Review status: criteria provided, multiple submitters, no conflicts (2 of 4 stars). 2 submissions from 2 submitters: Uncertain significance (2). Last evaluated 2024-01-02.

Conditions:
Progressive familial heart block type IB (PFHB1B). Identifiers: Orphanet 871, MedGen C1970298, MONDO:0011474, OMIM 604559.

gnomAD v4.1: 11 of 1,614,160 alleles (0.00068%); highest among the groups gnomAD compares: Non-Finnish European, 0.00085%; no homozygotes.

Submissions (2):

Labcorp Genetics (formerly Invitae), Labcorp
Classification: Uncertain significance for Progressive familial heart block type IB. Last evaluated: 2024-01-02. Review status: criteria provided, single submitter. Criteria: Invitae Variant Classification Sherloc (09022015). Collection method: clinical testing. Allele origin: germline.
Comment: This sequence change replaces arginine, which is basic and polar, with glycine, which is neutral and non-polar, at codon 632 of the TRPM4 protein (p.Arg632Gly). This variant is not present in population databases (gnomAD no frequency). This variant has not been reported in the literature in individuals affected with TRPM4-related conditions. ClinVar contains an entry for this variant (Variation ID: 932042). An algorithm developed to predict the effect of missense changes on protein structure and function (PolyPhen-2) suggests that this variant is likely to be tolerated. In summary, the available evidence is currently insufficient to determine the role of this variant in disease. Therefore, it has been classified as a Variant of Uncertain Significance.

Centre for Mendelian Genomics, University Medical Centre Ljubljana
Classification: Uncertain significance for Progressive familial heart block type IB. Last evaluated: 2016-01-01. Review status: criteria provided, single submitter. Criteria: ACMG Guidelines, 2015. Collection method: clinical testing. Allele origin: unknown. Affected: yes.
Comment: This variant was classified as: Uncertain significance. The following ACMG criteria were applied in classifying this variant: PM2,PP4.

NM_017636.4(TRPM4):c.1894C>G (p.Arg632Gly)

Gene: TRPM4 (transient receptor potential cation channel subfamily M member 4; plus strand). Cytogenetic location: 19q13.33.
Variant type: single nucleotide variant.
Coding change: c.1894C>G on transcript NM_017636.4 (MANE Select); coding-DNA position 1894, C replaced by G.
Protein change: p.Arg632Gly; replaces arginine 632 with glycine.
Molecular consequence: missense variant.
Genome position (GRCh38, 1-based): chr19:49,188,966, C>G. VCF-style: chr19-49188966-C-G. GRCh37 (hg19) VCF-style: chr19-49692223-C-G.
Other names: c.1894C>G, p.Arg632Gly (NM_001195227.2); c.1549C>G, p.Arg517Gly (NM_001321281.2); c.286C>G, p.Arg96Gly (NM_001321282.2); c.1372C>G, p.Arg458Gly (NM_001321283.2); c.832C>G, p.Arg278Gly (NM_001321285.2); short protein forms R458G, R278G, R517G, R632G, R96G.
Identifiers: ClinVar variation 932042 (VCV000932042.10), dbSNP rs1287233315, ClinGen allele CA406803623.